The following is an entry in ClinVar:

ClinVar aggregate classification (germline): Conflicting classifications of pathogenicity. Review status: criteria provided, conflicting classifications (1 of 4 stars). 3 submissions from 3 submitters: Uncertain significance (1); Likely benign (2). Last evaluated 2025-09-22.

Conditions:
Ehlers-Danlos syndrome, classic type, 1 (EDSCL1). Also called: Ehlers-Danlos Syndrome, Classic Type, COL5A1-Related; EHLERS-DANLOS SYNDROME, GRAVIS TYPE; EHLERS-DANLOS SYNDROME, SEVERE CLASSIC TYPE; Ehlers-Danlos syndrome, type 1; EDS I. Identifiers: MedGen C0268335, MONDO:0019567, OMIM 130000.
Familial thoracic aortic aneurysm and aortic dissection (TAAD). Also called: Thoracic aortic aneurysms and dissections. Identifiers: Orphanet 91387, MedGen C4707243, MONDO:0019625.

Allele frequency attached by ClinVar (database versions not stated): TOPMed 0.00001; gnomAD exomes 0.00002 and 0.00001; ExAC 0.00001; gnomAD 0.00001; ESP Exome Variant Server 0.00008.
gnomAD v4.1: 35 of 1,613,212 alleles (0.0022%); highest among the groups gnomAD compares: Non-Finnish European, 0.0028%; no homozygotes.

Submissions (3):

Labcorp Genetics (formerly Invitae), Labcorp
Classification: Likely benign for Ehlers-Danlos syndrome, classic type, 1. Last evaluated: 2025-09-22. Review status: criteria provided, single submitter. Criteria: Invitae Variant Classification Sherloc (09022015). Collection method: clinical testing. Allele origin: germline.

Ambry Genetics
Classification: Likely benign for Familial thoracic aortic aneurysm and aortic dissection. Last evaluated: 2024-07-24. Review status: criteria provided, single submitter. Criteria: Ambry Variant Classification Scheme 2023. Collection method: clinical testing. Allele origin: germline.

GeneDx
Classification: Uncertain significance. Last evaluated: 2021-07-16. Review status: criteria provided, single submitter. Criteria: GeneDx Variant Classification Process June 2021. Collection method: clinical testing. Allele origin: germline. Affected: yes.
Comment: Has not been previously published as pathogenic or benign to our knowledge; Not observed at significant frequency in large population cohorts (Lek et al., 2016); In silico analysis, which includes splice predictors and evolutionary conservation, suggests this variant may impact gene splicing. In the absence of RNA/functional studies, the actual effect of this sequence change is unknown.; Reported in ClinVar as a variant of uncertain significance (ClinVar Variant ID# 213063Landrum et al., 2016); This variant is associated with the following publications: (PMID: 26582918, 27535533)

NM_000093.5(COL5A1):c.5028G>T (p.Gly1676=)

Genes: COL5A1 (collagen type V alpha 1 chain; plus strand), LOC101448202 (uncharacterized LOC101448202; minus strand). Cytogenetic location: 9q34.3.
Variant type: single nucleotide variant.
Coding change: c.5028G>T on transcript NM_000093.5 (MANE Select); coding-DNA position 5028, G replaced by T.
Protein change: p.Gly1676=; no amino-acid change (glycine 1676 retained).
Molecular consequence: synonymous variant.
Genome position (GRCh38, 1-based): chr9:134,825,865, G>T. VCF-style: chr9-134825865-G-T. GRCh37 (hg19) VCF-style: chr9-137717711-G-T.
Other names: p.G1676G:GGG>GGT; c.5028G>T, p.Gly1676= (NM_001278074.1).
Identifiers: ClinVar variation 213063 (VCV000213063.15), dbSNP rs367902089, ClinGen allele CA321720.
Genomic context (GRCh38, chr9:134,825,865, plus strand): 5'-CGATCCTAACCAAGGATGCTCCAGGGATTCCTTCAAGGTTTACTGCAACTTCACAGCCGG[G>T]GGGTCGACATGCGTCTTCCCTGACAAGAAGTCCGAAGGGGTGAGTAGCTGTGTCCCTCCA-3'
Protein context (NP_000084.3, residues 1666-1686): SFKVYCNFTA[Gly1676=]GSTCVFPDKK